The following is an entry in ClinVar:

ClinVar aggregate classification (germline): Uncertain significance. Review status: criteria provided, multiple submitters, no conflicts (2 of 4 stars). 6 submissions from 3 submitters: Uncertain significance (6). Last evaluated 2025-08-19.

Conditions:
Hemolytic uremic syndrome, atypical, susceptibility to, 1. Also called: AHUS, SUSCEPTIBILITY TO, 1. Identifiers: Orphanet 2134, Orphanet 90038, MedGen C2749604, MONDO:0009335, OMIM 235400. Disease mechanism: Other.
Age related macular degeneration 4. Identifiers: MedGen C1853147, MONDO:0012540, OMIM 610698.
Basal laminar drusen. Also called: DRUSEN OF BRUCH MEMBRANE; DRUSEN, CUTICULAR; DRUSEN, EARLY ADULT-ONSET, GROUPED. Identifiers: Orphanet 75376, MedGen C0730295, MONDO:0007472, OMIM 126700.
Factor H deficiency (CFHD). Also called: CFH DEFICIENCY; COMPLEMENT FACTOR H DEFICIENCY. Identifiers: Orphanet 200421, MedGen C0398777, MONDO:0012350, OMIM 609814.

Allele frequency attached by ClinVar (database versions not stated): gnomAD 0.00001; gnomAD exomes 0.00001; TOPMed 0.00002.
gnomAD v4.1: 6 of 1,612,736 alleles (0.00037%); highest among the groups gnomAD compares: Non-Finnish European, 0.00051%; no homozygotes.

Submissions (6):

Labcorp Genetics (formerly Invitae), Labcorp
Classification: Uncertain significance. Last evaluated: 2025-08-19. Review status: criteria provided, single submitter. Criteria: Invitae Variant Classification Sherloc (09022015). Collection method: clinical testing. Allele origin: germline.
Comment: This sequence change replaces isoleucine, which is neutral and non-polar, with valine, which is neutral and non-polar, at codon 492 of the CFH protein (p.Ile492Val). This variant is present in population databases (no rsID available, gnomAD 0.002%). This variant has not been reported in the literature in individuals affected with CFH-related conditions. ClinVar contains an entry for this variant (Variation ID: 1393028). An algorithm developed to predict the effect of missense changes on protein structure and function outputs the following: PolyPhen-2: "Benign". The valine amino acid residue is found in multiple mammalian species, which suggests that this missense change does not adversely affect protein function. In summary, the available evidence is currently insufficient to determine the role of this variant in disease. Therefore, it has been classified as a Variant of Uncertain Significance.

Genome-Nilou Lab
Classification: Uncertain significance for Hemolytic uremic syndrome, atypical, susceptibility to, 1. Last evaluated: 2023-04-11. Review status: criteria provided, single submitter. Criteria: ACMG Guidelines, 2015. Collection method: clinical testing. Allele origin: germline. Affected: no.

Genome-Nilou Lab
Classification: Uncertain significance for Age related macular degeneration 4. Last evaluated: 2023-04-11. Review status: criteria provided, single submitter. Criteria: ACMG Guidelines, 2015. Collection method: clinical testing. Allele origin: germline. Affected: no.

Genome-Nilou Lab
Classification: Uncertain significance for Basal laminar drusen. Last evaluated: 2023-04-11. Review status: criteria provided, single submitter. Criteria: ACMG Guidelines, 2015. Collection method: clinical testing. Allele origin: germline. Affected: no.

Genome-Nilou Lab
Classification: Uncertain significance for Factor H deficiency. Last evaluated: 2023-04-11. Review status: criteria provided, single submitter. Criteria: ACMG Guidelines, 2015. Collection method: clinical testing. Allele origin: germline. Affected: no.

Fulgent Genetics
Classification: Uncertain significance for Basal laminar drusen; Hemolytic uremic syndrome, atypical, susceptibility to, 1; Factor H deficiency; Age related macular degeneration 4. Last evaluated: 2022-03-25. Review status: criteria provided, single submitter. Criteria: ACMG Guidelines, 2015. Collection method: clinical testing. Allele origin: unknown.

NM_000186.4(CFH):c.1474A>G (p.Ile492Val)

Gene: CFH (complement factor H; plus strand). Cytogenetic location: 1q31.3.
Variant type: single nucleotide variant.
Coding change: c.1474A>G on transcript NM_000186.4 (MANE Select); coding-DNA position 1474, A replaced by G.
Protein change: p.Ile492Val; replaces isoleucine 492 with valine.
Molecular consequence: missense variant.
Genome position (GRCh38, 1-based): chr1:196,713,872, A>G. VCF-style: chr1-196713872-A-G. GRCh37 (hg19) VCF-style: chr1-196683002-A-G.
Other names: short protein forms I492V.
Identifiers: ClinVar variation 1393028 (VCV001393028.10), dbSNP rs892717090, ClinGen allele CA35850563.